The following is an entry in ClinVar:

NM_001048174.2(MUTYH):c.421-4A>G

Gene: MUTYH (mutY DNA glycosylase; minus strand). Cytogenetic location: 1p34.1.
Variant type: single nucleotide variant.
Coding change: c.421-4A>G on transcript NM_001048174.2 (MANE Select); 4 bases into the intron before coding-DNA position 421, A replaced by G.
Molecular consequence: intron variant.
Genome position (GRCh38, 1-based): chr1:45,332,838, T>C on the plus strand (A>G on the coding strand, the complement: MUTYH is on the minus strand). VCF-style: chr1-45332838-T-C. GRCh37 (hg19) VCF-style: chr1-45798510-T-C.
Other names: c.76-4A>G (NM_001350651.2, NM_001350650.2); c.145-4A>G (NM_001293192.2, NM_001293196.2); c.421-4A>G (NM_001048171.2, NM_001048173.2, NM_001293195.2); c.466-4A>G (NM_001293190.2); c.496-4A>G (NM_012222.3); c.505-4A>G (NM_001128425.2); c.424-4A>G (NM_001048172.2); c.454-4A>G (NM_001293191.2).
Identifiers: ClinVar variation 138311 (VCV000138311.46), dbSNP rs201678305, ClinGen allele CA013701.
Genomic context (GRCh38, chr1:45,332,838, plus strand): 5'-CTGCAGCCGCCGGCCACGAGAATAGTAGCCCAGGCCAGCCCAGAGTTGATTCACCTCCTG[T>C]GGGTAGGATCAGAGGTCAAAGAGATCACCCGTCAGTCCCTCTATTGTTCCTATTTCCCCT-3'

ClinVar aggregate classification (germline): Benign/Likely benign. Review status: criteria provided, multiple submitters, no conflicts (2 of 4 stars). 17 submissions from 17 submitters: Benign (10); Likely benign (3). 4 of the submissions do not count toward it. Last evaluated 2026-03-03.

Conditions:
Hereditary cancer-predisposing syndrome. Also called: Tumor predisposition; Hereditary neoplastic syndrome; Neoplastic Syndromes, Hereditary; Hereditary Cancer Syndrome. Identifiers: Orphanet 140162, MedGen C0027672, MeSH D009386, MONDO:0015356.
Familial adenomatous polyposis 2. Also called: MUTYH-related attenuated familial adenomatous polyposis; MUTYH Polyposis; ADENOMAS, MULTIPLE COLORECTAL, AUTOSOMAL RECESSIVE; MUTYH-associated polyposis; MYH-associated polyposis; COLORECTAL ADENOMATOUS POLYPOSIS, AUTOSOMAL RECESSIVE. Identifiers: Orphanet 220460, Orphanet 247798, MedGen C3272841, MONDO:0012041, OMIM 608456.

Allele frequency attached by ClinVar (database versions not stated): gnomAD exomes 0.00046 and 0.00128; ExAC 0.00157; ESP Exome Variant Server 0.00492; gnomAD 0.00496 and 0.00541; 1000 Genomes Project 30x 0.00531; 1000 Genomes Project 0.00539; TOPMed 0.00591.
gnomAD v4.1: 1,454 of 1,614,192 alleles (0.09%); highest among the groups gnomAD compares: African/African-American, 1.7%; 8 homozygotes.

Submissions (17):

Dasa
Classification: Likely benign. Last evaluated: 2026-03-03. Review status: criteria provided, single submitter. Criteria: DASA Assertion Criteria. Collection method: clinical testing. Allele origin: germline.
Comment: NM_001048174.2(MUTYH):c.421-4A>G is a splice-region variant predicted to affect normal RNA splicing. Multiple computational predictions suggest no deleterious effect on the gene or gene product. The variant is present at low frequency in population datasets. Based on the available data, this variant is classified as likely benign.

Labcorp Genetics (formerly Invitae), Labcorp
Classification: Benign for Familial adenomatous polyposis 2. Last evaluated: 2026-02-04. Review status: criteria provided, single submitter. Criteria: Invitae Variant Classification Sherloc (09022015). Collection method: clinical testing. Allele origin: germline.

Center for Genomic Medicine, Rigshospitalet, Copenhagen University Hospital
Classification: Benign. Last evaluated: 2025-12-29. Review status: criteria provided, single submitter. Criteria: ACMG Guidelines, 2015. Collection method: clinical testing. Allele origin: germline.

ARUP Laboratories, Molecular Genetics and Genomics, ARUP Laboratories
Classification: Benign. Last evaluated: 2025-03-27. Review status: criteria provided, single submitter. Criteria: ARUP Molecular Germline Variant Investigation Process 2024. Collection method: clinical testing. Allele origin: germline.

Blueprint Genetics
Classification: Likely benign. Last evaluated: 2024-11-06. Review status: criteria provided, single submitter. Criteria: ACMG Guidelines, 2015. Collection method: clinical testing. Allele origin: germline.

All of Us Research Program, National Institutes of Health
Classification: Benign for Familial adenomatous polyposis 2. Last evaluated: 2024-09-25. Review status: criteria provided, single submitter. Criteria: ACMG Guidelines, 2015. Collection method: clinical testing. Allele origin: germline. Inheritance: Autosomal recessive inheritance. Observed: 411 variant alleles, 407 heterozygotes, 4 homozygotes.
Comment: This study involves interpretation of variants in research participants for the purpose of population health screening. Participant phenotype was not available at the time of variant classification. Additional details can be found in publication PMID: 35346344, PMCID: PMC8962531

Quest Diagnostics Nichols Institute San Juan Capistrano
Classification: Benign. Last evaluated: 2023-03-10. Review status: criteria provided, single submitter. Criteria: Quest Diagnostics criteria. Collection method: clinical testing. Allele origin: unknown.

Genetic Services Laboratory, University of Chicago
Classification: Benign. Last evaluated: 2019-04-25. Review status: criteria provided, single submitter. Criteria: ACMG Guidelines, 2015. Collection method: clinical testing. Allele origin: germline. Affected: no.

PreventionGenetics, part of Exact Sciences
Classification: Benign. Last evaluated: 2017-05-05. Review status: criteria provided, single submitter. Criteria: ACMG Guidelines, 2015. Collection method: clinical testing. Allele origin: germline.

Institute for Biomarker Research, Medical Diagnostic Laboratories, L.L.C.
Classification: Likely benign for Hereditary cancer-predisposing syndrome. Last evaluated: 2017-02-14. Review status: criteria provided, single submitter. Criteria: ACMG Guidelines, 2015. Collection method: clinical testing. Allele origin: germline.

Color Diagnostics, LLC DBA Color Health
Classification: Benign for Hereditary cancer-predisposing syndrome. Last evaluated: 2016-03-21. Review status: criteria provided, single submitter. Criteria: ACMG Guidelines, 2015. Collection method: clinical testing. Allele origin: germline.

Ambry Genetics
Classification: Benign for Hereditary cancer-predisposing syndrome. Last evaluated: 2014-07-25. Review status: criteria provided, single submitter. Criteria: Ambry Variant Classification Scheme 2023. Collection method: clinical testing. Allele origin: germline.

GeneDx
Classification: Benign. Last evaluated: 2014-02-05. Review status: criteria provided, single submitter. Criteria: GeneDx Variant Classification (06012015). Collection method: clinical testing. Allele origin: germline. Affected: yes.
Comment: This variant is considered likely benign or benign based on one or more of the following criteria: it is a conservative change, it occurs at a poorly conserved position in the protein, it is predicted to be benign by multiple in silico algorithms, and/or has population frequency not consistent with disease.

True Health Diagnostics
Classification: Likely benign for Hereditary cancer-predisposing syndrome. Last evaluated: 2017-09-29. Review status: no assertion criteria provided. Collection method: clinical testing. Allele origin: germline. Not counted in ClinVar's aggregate classification.

Clinical Genetics DNA and cytogenetics Diagnostics Lab, Erasmus MC, Erasmus Medical Center
Classification: Benign. Review status: no assertion criteria provided. Collection method: clinical testing. Allele origin: germline. Affected: yes. Study: VKGL Data-share Consensus. Not counted in ClinVar's aggregate classification.

Department of Pathology and Laboratory Medicine, Sinai Health System
Classification: Uncertain significance. Review status: no assertion criteria provided. Collection method: clinical testing. Allele origin: unknown. Affected: yes. Observed: 1 variant allele. Study: The Canadian Open Genetics Repository (COGR). Not counted in ClinVar's aggregate classification.

Genome Diagnostics Laboratory, Amsterdam University Medical Center
Classification: Benign. Review status: no assertion criteria provided. Collection method: clinical testing. Allele origin: germline. Affected: yes. Study: VKGL Data-share Consensus. Not counted in ClinVar's aggregate classification.